The following is an entry in ClinVar:

ClinVar aggregate classification (germline): Uncertain significance (1 of 4 stars; one submission).

Allele frequency attached by ClinVar (database versions not stated): TOPMed below 0.00001; gnomAD exomes 0.00001.

Submission:

GeneDx
Classification: Uncertain significance. Last evaluated: 2022-08-08. Review status: criteria provided, single submitter. Criteria: GeneDx Variant Classification Process June 2021. Collection method: clinical testing. Allele origin: germline. Affected: yes.
Comment: Not observed at significant frequency in large population cohorts (gnomAD); In silico analysis supports that this missense variant has a deleterious effect on protein structure/function; Has not been previously published as pathogenic or benign to our knowledge

NM_000937.5(POLR2A):c.2879G>A (p.Arg960Gln)

Gene: POLR2A (RNA polymerase II subunit A; plus strand). Cytogenetic location: 17p13.1.
Variant type: single nucleotide variant.
Coding change: c.2879G>A on transcript NM_000937.5 (MANE Select); coding-DNA position 2879, G replaced by A.
Protein change: p.Arg960Gln; replaces arginine 960 with glutamine.
Molecular consequence: missense variant.
Genome position (GRCh38, 1-based): chr17:7,503,243, G>A. VCF-style: chr17-7503243-G-A. GRCh37 (hg19) VCF-style: chr17-7406562-G-A.
Other names: short protein forms R960Q.
Identifiers: ClinVar variation 2429673 (VCV002429673.1), dbSNP rs781300668, ClinGen allele CA287417672.